The following is an entry in ClinVar:

NM_175914.5(HNF4A):c.-18G>A

Gene: HNF4A (hepatocyte nuclear factor 4 alpha; plus strand). Cytogenetic location: 20q13.12.
Variant type: single nucleotide variant.
Coding change: c.-18G>A on transcript NM_175914.5 (MANE Select); 18 bases upstream of the start codon, G replaced by A.
Molecular consequence: 5 prime UTR variant.
Genome position (GRCh38, 1-based): chr20:44,355,787, G>A. VCF-style: chr20-44355787-G-A. GRCh37 (hg19) VCF-style: chr20-42984427-G-A.
Other names: c.-18G>A (NM_001030003.3, NM_001030004.3); c.-249G>A (NM_001287182.2, NM_001287183.2, NM_001287184.2).
Identifiers: ClinVar variation 1337492 (VCV001337492.5), dbSNP rs778173957, ClinGen allele CA9870019.

ClinVar aggregate classification (germline): Uncertain significance. Review status: criteria provided, multiple submitters, no conflicts (2 of 4 stars). 2 submissions from 2 submitters: Uncertain significance (2). Last evaluated 2024-06-06.

Allele frequency attached by ClinVar (database versions not stated): ExAC 0.00002; gnomAD exomes 0.00002 and 0.00004; gnomAD 0.00003; TOPMed 0.00005.
gnomAD v4.1: 33 of 1,612,884 alleles (0.002%); highest among the groups gnomAD compares: Admixed American, 0.018%; no homozygotes.

Submissions (2):

Women's Health and Genetics/Laboratory Corporation of America, LabCorp
Classification: Uncertain significance. Last evaluated: 2024-06-06. Review status: criteria provided, single submitter. Criteria: LabCorp Variant Classification Summary - May 2015. Collection method: clinical testing. Allele origin: germline.
Comment: Variant summary: HNF4A c.-18G>A is located in the untranslated mRNA region upstream of the initiation codon. The variant was absent in 246952 control chromosomes (gnomAD). The available data on variant occurrences in the general population are insufficient to allow any conclusion about variant significance. To our knowledge, no occurrence of c.-18G>A in individuals affected with maturity onset diabetes of the Young 1/neonatal diabetes mellitus and no experimental evidence demonstrating its impact on protein function have been reported. ClinVar contains an entry for this variant (Variation ID: 1337492). Based on the evidence outlined above, the variant was classified as uncertain significance.

Genetic Services Laboratory, University of Chicago
Classification: Uncertain significance. Last evaluated: 2019-12-26. Review status: criteria provided, single submitter. Criteria: ACMG Guidelines, 2015. Collection method: clinical testing. Allele origin: germline. Affected: no.